The following is an entry in ClinVar:

ClinVar aggregate classification (germline): Uncertain significance (1 of 4 stars; one submission).

gnomAD v4.1: 5 of 1,614,236 alleles (0.00031%); highest among the groups gnomAD compares: Admixed American, 0.0083%; no homozygotes.

Submission:

Labcorp Genetics (formerly Invitae), Labcorp
Classification: Uncertain significance. Last evaluated: 2025-10-10. Review status: criteria provided, single submitter. Criteria: Invitae Variant Classification Sherloc (09022015). Collection method: clinical testing. Allele origin: germline.
Comment: This sequence change replaces valine, which is neutral and non-polar, with glutamic acid, which is acidic and polar, at codon 1432 of the SORL1 protein (p.Val1432Glu). This variant is present in population databases (rs780169362, gnomAD 0.009%). This variant has not been reported in the literature in individuals affected with SORL1-related conditions. ClinVar contains an entry for this variant (Variation ID: 3609481). An algorithm developed to predict the effect of missense changes on protein structure and function (PolyPhen-2) suggests that this variant is likely to be disruptive. In summary, the available evidence is currently insufficient to determine the role of this variant in disease. Therefore, it has been classified as a Variant of Uncertain Significance.

NM_003105.6(SORL1):c.4295T>A (p.Val1432Glu)

Gene: SORL1 (sortilin related receptor 1; plus strand). Cytogenetic location: 11q24.1.
Variant type: single nucleotide variant.
Coding change: c.4295T>A on transcript NM_003105.6 (MANE Select); coding-DNA position 4295, T replaced by A.
Protein change: p.Val1432Glu; replaces valine 1432 with glutamic acid.
Molecular consequence: missense variant.
Genome position (GRCh38, 1-based): chr11:121,591,082, T>A. VCF-style: chr11-121591082-T-A. GRCh37 (hg19) VCF-style: chr11-121461791-T-A.
Other names: short protein forms V1432E.
Identifiers: ClinVar variation 3609481 (VCV003609481.2).